The following is an entry in ClinVar:

NM_001243133.2(NLRP3):c.1329C>G (p.Phe443Leu)

Gene: NLRP3 (NLR family pyrin domain containing 3; plus strand). Cytogenetic location: 1q44.
Variant type: single nucleotide variant.
Coding change: c.1329C>G on transcript NM_001243133.2 (MANE Select); coding-DNA position 1329, C replaced by G.
Protein change: p.Phe443Leu; replaces phenylalanine 443 with leucine.
Molecular consequence: missense variant.
Genome position (GRCh38, 1-based): chr1:247,424,778, C>G. VCF-style: chr1-247424778-C-G. GRCh37 (hg19) VCF-style: chr1-247588080-C-G.
Other names: c.1329C>G, p.Phe443Leu (NM_001079821.3, NM_001127461.3, NM_001127462.3 and 1 more transcripts); c.1335C>G, p.Phe445Leu (NM_004895.5); short protein forms F445L, F443L.
Identifiers: ClinVar variation 97928 (VCV000097928.1), dbSNP rs180177477, ClinGen allele CA281193.

ClinVar aggregate classification (germline): not provided (0 of 4 stars; one submission).

Conditions:
Familial cold autoinflammatory syndrome 1 (FCAS1). Also called: CRYOPYRIN-ASSOCIATED PERIODIC SYNDROME 1; Familial cold inflammatory syndrome 1. Identifiers: Orphanet 47045, MedGen C4551895, MONDO:0007349, OMIM 120100.

Submission:

Unité médicale des maladies autoinflammatoires, CHRU Montpellier
No classification provided. Condition: Familial cold urticaria. Review status: no classification provided. Collection method: not provided. Allele origin: unknown.
Comment: also involved in OMIM 191900 and 607115